The following is an entry in ClinVar:

NM_000388.4(CASR):c.1532dup (p.Tyr511Ter)

Gene: CASR (calcium sensing receptor; plus strand). Cytogenetic location: 3q21.1.
Variant type: Duplication.
Coding change: c.1532dup on transcript NM_000388.4 (MANE Select); coding-DNA position 1532, one base duplicated (A; older notation c.1532dupA).
Protein change: p.Tyr511Ter; replaces tyrosine 511 with a stop codon.
Molecular consequence: nonsense.
Genome position (GRCh38, 1-based): chr3:122,275,966, A duplicated. VCF-style (leftmost placement, unchanged base first): chr3-122275965-T-TA. GRCh37 (hg19) VCF-style: chr3-121994812-T-TA.
Other names: c.1532dup, p.Tyr511Ter (NM_001178065.2); short protein forms Y511*.
Identifiers: ClinVar variation 3755953 (VCV003755953.2).

ClinVar aggregate classification (germline): Pathogenic (1 of 4 stars; one submission).

Conditions:
Familial hypocalciuric hypercalcemia (FHH). Also called: Familial benign hypercalcemia. Identifiers: Orphanet 405, MedGen C1809471, MONDO:0018458.
Autosomal dominant hypocalcemia 1 (HYPOC1). Also called: HYPOCALCEMIA, FAMILIAL. Identifiers: MedGen C3715128, MONDO:0011013, OMIM 601198.

Submission:

Labcorp Genetics (formerly Invitae), Labcorp
Classification: Pathogenic for Familial hypocalciuric hypercalcemia; Autosomal dominant hypocalcemia 1. Last evaluated: 2024-04-24. Review status: criteria provided, single submitter. Criteria: Invitae Variant Classification Sherloc (09022015). Collection method: clinical testing. Allele origin: germline.
Comment: This sequence change creates a premature translational stop signal (p.Tyr511*) in the CASR gene. It is expected to result in an absent or disrupted protein product. Loss-of-function variants in CASR are known to be pathogenic (PMID: 11807402, 14985373, 22422767). This variant is not present in population databases (gnomAD no frequency). This variant has not been reported in the literature in individuals affected with CASR-related conditions. For these reasons, this variant has been classified as Pathogenic.

Literature cited by the submitters: PubMed 11807402; PubMed 14985373; PubMed 22422767.